The following is an entry in ClinVar:

NM_005076.5(CNTN2):c.3117G>T (p.Glu1039Asp)

Gene: CNTN2 (contactin 2; plus strand). Cytogenetic location: 1q32.1.
Variant type: single nucleotide variant.
Coding change: c.3117G>T on transcript NM_005076.5 (MANE Select); coding-DNA position 3117, G replaced by T.
Protein change: p.Glu1039Asp; replaces glutamic acid 1039 with aspartic acid.
Molecular consequence: missense variant. On other transcripts: non-coding transcript variant (1).
Genome position (GRCh38, 1-based): chr1:205,073,759, G>T. VCF-style: chr1-205073759-G-T. GRCh37 (hg19) VCF-style: chr1-205042887-G-T.
Other names: c.3117G>T (NM_005076.3); c.3117G>T, p.Glu1039Asp (NM_001346083.2); short protein forms E1039D.
Identifiers: ClinVar variation 1368014 (VCV001368014.9), dbSNP rs1232718150, ClinGen allele CA344384425.
Genomic context (GRCh38, chr1:205,073,759, plus strand): 5'-ACACCCTGGCACCGTCATTTCCCACTCCGTGGCGATGCTGATCCTCATAGGCTCCCTGGA[G>T]CTCTGATCCTGGAACCCCTCCCTCTGCGCCGCAGCTGGACGCCACCTCCGACGGACACAG-3'
Protein context (NP_005067.1, residues 1029-1040): VAMLILIGSL[Glu1039Asp]L

ClinVar aggregate classification (germline): Uncertain significance. Review status: criteria provided, multiple submitters, no conflicts (2 of 4 stars). 2 submissions from 2 submitters: Uncertain significance (2). Last evaluated 2025-08-22.

Conditions:
Epilepsy, familial adult myoclonic, 5 (EPEO5). Also called: CORTICAL MYOCLONIC TREMOR WITH EPILEPSY, FAMILIAL, 5. Identifiers: Orphanet 86814, MedGen C3809374, MONDO:0014167, OMIM 615400.

Allele frequency attached by ClinVar (database versions not stated): gnomAD exomes below 0.00001; TOPMed 0.00001; gnomAD 0.00002.
gnomAD v4.1: 6 of 1,613,106 alleles (0.00037%); highest among the groups gnomAD compares: Admixed American, 0.0017%; no homozygotes.

Submissions (2):

Ambry Genetics
Classification: Uncertain significance. Last evaluated: 2025-08-22. Review status: criteria provided, single submitter. Criteria: Ambry Variant Classification Scheme 2023. Collection method: clinical testing. Allele origin: germline.

Labcorp Genetics (formerly Invitae), Labcorp
Classification: Uncertain significance for Epilepsy, familial adult myoclonic, 5. Last evaluated: 2022-05-20. Review status: criteria provided, single submitter. Criteria: Invitae Variant Classification Sherloc (09022015). Collection method: clinical testing. Allele origin: germline.
Comment: The frequency data for this variant in the population databases is considered unreliable, as metrics indicate poor data quality at this position in the gnomAD database. This sequence change replaces glutamic acid, which is acidic and polar, with aspartic acid, which is acidic and polar, at codon 1039 of the CNTN2 protein (p.Glu1039Asp). This variant has not been reported in the literature in individuals affected with CNTN2-related conditions. Advanced modeling of protein sequence and biophysical properties (such as structural, functional, and spatial information, amino acid conservation, physicochemical variation, residue mobility, and thermodynamic stability) performed at Invitae indicates that this missense variant is not expected to disrupt CNTN2 protein function. In summary, the available evidence is currently insufficient to determine the role of this variant in disease. Therefore, it has been classified as a Variant of Uncertain Significance.